The following is an entry in ClinVar:

ClinVar aggregate classification (germline): Uncertain significance (1 of 4 stars; one submission).

Conditions:
Cardiovascular phenotype. Identifiers: MedGen CN230736.

Allele frequency attached by ClinVar (database versions not stated): TOPMed below 0.00001; gnomAD 0.00001; ExAC 0.00002; 1000 Genomes Project 30x 0.00016; 1000 Genomes Project 0.00020.

Submission:

Ambry Genetics
Classification: Uncertain significance for Cardiovascular phenotype. Last evaluated: 2023-01-23. Review status: criteria provided, single submitter. Criteria: Ambry Variant Classification Scheme 2023. Collection method: clinical testing. Allele origin: germline.
Comment: The p.S279A variant (also known as c.835T>G), located in coding exon 2 of the NKX2-5 gene, results from a T to G substitution at nucleotide position 835. The serine at codon 279 is replaced by alanine, an amino acid with similar properties. This amino acid position is poorly conserved in available vertebrate species. In addition, this alteration is predicted to be tolerated by in silico analysis. Since supporting evidence is limited at this time, the clinical significance of this alteration remains unclear.

Literature cited by the submitters: PubMed 32369864.

NM_004387.4(NKX2-5):c.835T>G (p.Ser279Ala)

Gene: NKX2-5 (NK2 homeobox 5; minus strand). Cytogenetic location: 5q35.1.
Variant type: single nucleotide variant.
Coding change: c.835T>G on transcript NM_004387.4 (MANE Select); coding-DNA position 835, T replaced by G.
Protein change: p.Ser279Ala; replaces serine 279 with alanine.
Molecular consequence: missense variant. On other transcripts: 3 prime UTR variant (2).
Genome position (GRCh38, 1-based): chr5:173,232,709, A>C on the plus strand (T>G on the coding strand, the complement: NKX2-5 is on the minus strand). VCF-style: chr5-173232709-A-C. GRCh37 (hg19) VCF-style: chr5-172659712-A-C.
Other names: c.*788T>G (NM_001166175.2); c.*634T>G (NM_001166176.2); short protein forms S279A.
Identifiers: ClinVar variation 2452061 (VCV002452061.2), dbSNP rs571382279, ClinGen allele CA3563624.
Genomic context (GRCh38, chr5:173,232,709, plus strand): 5'-CCCCGACGCCGAAGTTCACGAAGTTGTTGTTGGCGGCGGCAGTGGCCGGCTGCGCTGGGG[A>C]AGGCCCGGCGGGGTAAGCGGCAGTGCAGCTGTAGCCAGGGCTGCAGGCCGCGCCGCCGTA-3'
Protein context (NP_004378.1, residues 269-289): SCTAAYPAGP[Ser279Ala]PAQPATAAAN